The following is an entry in ClinVar:

ClinVar aggregate classification (germline): Likely benign (1 of 4 stars; one submission).

Submission:

CeGaT Center for Human Genetics Tuebingen
Classification: Likely benign. Last evaluated: 2026-08-01. Review status: criteria provided, single submitter. Criteria: CeGaT Center For Human Genetics Tuebingen Variant Classification Criteria Version 2. Collection method: clinical testing. Allele origin: germline. Affected: yes. Observed: 1 variant allele.
Comment: MAP1B: PM2:Supporting, BP4, BP7

NM_005909.5(MAP1B):c.3390C>A (p.Pro1130=)

Gene: MAP1B (microtubule associated protein 1B; plus strand). Cytogenetic location: 5q13.2.
Variant type: single nucleotide variant.
Coding change: c.3390C>A on transcript NM_005909.5 (MANE Select); coding-DNA position 3390, C replaced by A.
Protein change: p.Pro1130=; no amino-acid change (proline 1130 retained).
Molecular consequence: synonymous variant.
Genome position (GRCh38, 1-based): chr5:72,196,745, C>A. VCF-style: chr5-72196745-C-A. GRCh37 (hg19) VCF-style: chr5-71492572-C-A.
Other names: c.3012C>A, p.Pro1004= (NM_001324255.2).
Identifiers: ClinVar variation 5039832 (VCV005039832.1).